The following is an entry in ClinVar:

ClinVar aggregate classification (germline): Likely pathogenic (1 of 4 stars; one submission).

Conditions:
CCDC88C-related disorder. Also called: CCDC88C-Related Disorders; CCDC88C-related condition.

Submission:

PreventionGenetics, part of Exact Sciences
Classification: Likely pathogenic for CCDC88C-related condition. Last evaluated: 2025-09-30. Review status: criteria provided, single submitter. Criteria: ACMG Guidelines, 2015. Collection method: clinical testing. Allele origin: germline.
Comment: The CCDC88C c.2215delG variant is predicted to result in a frameshift and premature protein termination (p.Glu739Serfs*2). To our knowledge, this variant has not been reported in the literature or in a large population database (gnomAD), indicating this variant is rare. Frameshift variants in CCDC88C are expected to be pathogenic. This variant is interpreted as likely pathogenic.

NM_001080414.4(CCDC88C):c.2215del (p.Glu739fs)

Gene: CCDC88C (coiled-coil and HOOK domain protein 88C; minus strand). Cytogenetic location: 14q32.11.
Variant type: Deletion.
Coding change: c.2215del on transcript NM_001080414.4 (MANE Select); coding-DNA position 2215, one base deleted (G; older notation c.2215delG).
Protein change: p.Glu739fs; shifts the reading frame from glutamic acid 739.
Molecular consequence: frameshift variant. On other transcripts: non-coding transcript variant (2).
Genome position (GRCh38, 1-based): chr14:91,313,601, C deleted on the plus strand (G on the coding strand, the reverse complement: CCDC88C is on the minus strand); the first of 2 consecutive C bases (chr14:91,313,601-91,313,602); deleting either gives the same sequence. VCF-style (leftmost placement, unchanged base first): chr14-91313600-TC-T. GRCh37 (hg19) VCF-style: chr14-91779944-TC-T.
Other names: short protein forms E739fs.
Identifiers: ClinVar variation 4984785 (VCV004984785.1).